The following is an entry in ClinVar:

ClinVar aggregate classification (germline): Uncertain significance (1 of 4 stars; one submission).

Conditions:
Hereditary cancer-predisposing syndrome. Also called: Neoplastic Syndromes, Hereditary; Tumor predisposition; Hereditary Cancer Syndrome; Hereditary neoplastic syndrome. Identifiers: Orphanet 140162, MedGen C0027672, MeSH D009386, MONDO:0015356.

gnomAD v4.1: 1 of 1,613,874 alleles (0.000062%); highest among the groups gnomAD compares: Non-Finnish European, 0.000085%; no homozygotes.

Submission:

Ambry Genetics
Classification: Uncertain significance for Hereditary cancer-predisposing syndrome. Last evaluated: 2025-10-25. Review status: criteria provided, single submitter. Criteria: Ambry Variant Classification Scheme 2023. Collection method: clinical testing. Allele origin: germline.
Comment: The p.I205L variant (also known as c.613A>C), located in coding exon 6 of the FANCC gene, results from an A to C substitution at nucleotide position 613. The isoleucine at codon 205 is replaced by leucine, an amino acid with highly similar properties. This amino acid position is conserved. In addition, this alteration is predicted to be tolerated by in silico analysis. Based on the available evidence, the clinical significance of this variant remains unclear.

NM_000136.3(FANCC):c.613A>C (p.Ile205Leu)

Genes: AOPEP (aminopeptidase O (putative); plus strand), FANCC (FA complementation group C; minus strand). Cytogenetic location: 9q22.32.
Variant type: single nucleotide variant.
Coding change: c.613A>C on transcript NM_000136.3 (MANE Select); coding-DNA position 613, A replaced by C.
Protein change: p.Ile205Leu; replaces isoleucine 205 with leucine.
Molecular consequence: missense variant.
Genome position (GRCh38, 1-based): chr9:95,149,996, T>G on the plus strand (A>C on the coding strand, the complement: FANCC is on the minus strand). VCF-style: chr9-95149996-T-G. GRCh37 (hg19) VCF-style: chr9-97912278-T-G.
Other names: c.613A>C, p.Ile205Leu (NM_001243743.2, NM_001243744.2); short protein forms I205L.
Identifiers: ClinVar variation 4640771 (VCV004640771.1).